The following is an entry in ClinVar:

NC_000011.9:g.(?_119103138)_(119158676_?)del

Gene: CBL (Cbl proto-oncogene; plus strand). Cytogenetic location: 11q23.3.
Variant type: Deletion.
Identifiers: ClinVar variation 3244702 (VCV003244702.1).

ClinVar aggregate classification (germline): Uncertain significance (1 of 4 stars; one submission).

Conditions:
RASopathy. Also called: Noonan spectrum disorder; rasopathies. Identifiers: Orphanet 536391, MedGen C5555857, MONDO:0021060.

Submission:

Labcorp Genetics (formerly Invitae), Labcorp
Classification: Uncertain significance for RASopathy. Last evaluated: 2023-03-20. Review status: criteria provided, single submitter. Criteria: Invitae Variant Classification Sherloc (09022015). Collection method: clinical testing. Allele origin: unknown.
Comment: In summary, the available evidence is currently insufficient to determine the role of this variant in disease. Therefore, it has been classified as a Variant of Uncertain Significance. This variant has not been reported in the literature in individuals affected with CBL-related conditions. This variant is a gross deletion of the genomic region encompassing exon(s) 2-12 of the CBL gene. This deletion is out-of-frame, and is expected to create a premature translational stop signal and result in an absent or disrupted protein product. However, the current clinical and genetic evidence is not sufficient to establish whether loss-of-function variants in CBL cause disease.